The following is an entry in ClinVar:

ClinVar aggregate classification (germline): Uncertain significance (1 of 4 stars; one submission).

Conditions:
Alpha thalassemia-X-linked intellectual disability syndrome (ATRX). Also called: ALPHA-THALASSEMIA/MENTAL RETARDATION SYNDROME, X-LINKED; ATR, NONDELETION TYPE; ATR-X syndrome; Alpha thalassemia mental retardation syndrome, nondeletion type, X-linked; XLMR hypotonic face syndrome; X-linked alpha-thalassemia-mental retardation syndrome. Identifiers: Orphanet 847, MedGen C1845055, MONDO:0010519, OMIM 301040.

Submission:

Victorian Clinical Genetics Services, Murdoch Childrens Research Institute
Classification: Uncertain significance for Alpha thalassemia-X-linked intellectual disability syndrome. Last evaluated: 2020-05-21. Review status: criteria provided, single submitter. Criteria: ACMG Guidelines, 2015. Collection method: clinical testing. Allele origin: germline. Inheritance: X-linked inheritance. Affected: yes.
Comment: Based on the classification scheme VCGS_Germline_v1.1.1, this variant is classified as 3B-VUS. Following criteria are met: 0102 - Loss-of-function is a known mechanism of disease for this gene. (N) 0109 - This gene is known to be associated with X-linked recessive and dominant disease. (N) 0212 - Non-canonical splice variant without proven consequence on splicing (no functional evidence available) (intron 31). (P) 0251 - Variant is heterozygous. (N) 0301 - Variant is absent from gnomAD. (P) 0508 - In silico predictions for abnormal splicing are conflicting. (N) 0705 - No comparable variants have previous evidence for pathogenicity. (N) 0807 - Variant has not previously been reported in a clinical context. (N) 0905 - No segregation evidence has been identified for this variant. (N) 1007 - No published functional evidence has been identified for this variant. (N) 1208 - Inheritance information for this variant is not currently available. (N) Legend: (P) - Pathogenic, (N) - Neutral, (B) - Benign

NM_000489.6(ATRX):c.6850-5T>G

Gene: ATRX (ATRX chromatin remodeler; minus strand). Cytogenetic location: Xq21.1.
Variant type: single nucleotide variant.
Coding change: c.6850-5T>G on transcript NM_000489.6 (MANE Select); 5 bases into the intron before coding-DNA position 6850, T replaced by G.
Molecular consequence: intron variant.
Genome position (GRCh38, 1-based): chrX:77,522,393, A>C on the plus strand (T>G on the coding strand, the complement: ATRX is on the minus strand). VCF-style: chrX-77522393-A-C. GRCh37 (hg19) VCF-style: chrX-76777871-A-C.
Other names: c.6736-5T>G (NM_138270.5).
Identifiers: ClinVar variation 3377461 (VCV003377461.1).